The following is an entry in ClinVar:

ClinVar aggregate classification (germline): Uncertain significance (1 of 4 stars; one submission).

Conditions:
Cardiomyopathy (CMYO). Also called: Cardiomyopathies. Identifiers: Orphanet 167848, MedGen C0878544, MONDO:0004994, HP:0001638. Inheritance: Various modes of inheritance.

Submission:

Color Diagnostics, LLC DBA Color Health
Classification: Uncertain significance for Cardiomyopathy. Last evaluated: 2024-03-06. Review status: criteria provided, single submitter. Criteria: ACMG Guidelines, 2015. Collection method: clinical testing. Allele origin: germline.
Comment: This missense variant replaces aspartic acid with threonine at codon 1733 of the DSP protein. Computational prediction is inconclusive regarding the impact of this variant on protein structure and function (internally defined REVEL score threshold 0.5 < inconclusive < 0.7, PMID: 27666373). To our knowledge, functional studies have not been reported for this variant. This variant has not been reported in individuals affected with cardiovascular disorders in the literature. This variant has not been identified in the general population by the Genome Aggregation Database (gnomAD). The available evidence is insufficient to determine the role of this variant in disease conclusively. Therefore, this variant is classified as a Variant of Uncertain Significance.

NM_004415.4(DSP):c.5197_5198delinsAC (p.Asp1733Thr)

Gene: DSP (desmoplakin; plus strand). Cytogenetic location: 6p24.3.
Variant type: Indel.
Coding change: c.5197_5198delinsAC on transcript NM_004415.4 (MANE Select); coding-DNA positions 5197 to 5198, GA replaced by AC.
Protein change: p.Asp1733Thr; replaces aspartic acid 1733 with threonine.
Molecular consequence: missense variant. On other transcripts: intron variant (2).
Genome position (GRCh38, 1-based): chr6:7,581,387-7,581,388, GA replaced by AC. VCF-style: chr6-7581387-GA-AC. GRCh37 (hg19) VCF-style: chr6-7581620-GA-AC.
Other names: c.4050+1147_4050+1148delinsAC (NM_001319034.2); c.3583-1255_3583-1254delinsAC (NM_001008844.3); short protein forms D1733T.
Identifiers: ClinVar variation 1172160 (VCV001172160.3), dbSNP rs2113695804, ClinGen allele CA2499218561.
Genomic context (GRCh38, chr6:7,581,387, plus strand): 5'-CTGACCAAGGAGCACTTGATGTTAGAAGAAGAACTGCGGAACCTGAGGCTGGAGTACGAT[GA>AC]CCTGAGGAGAGGACGAAGCGAAGCGGACAGTGATAAAAATGCAACCATCTTGGAACTAAG-3'
Protein context (NP_004406.2, residues 1723-1743): ELRNLRLEYD[Asp1733Thr]LRRGRSEADS